The following is an entry in ClinVar:

ClinVar aggregate classification (germline): Uncertain significance. Review status: criteria provided, multiple submitters, no conflicts (2 of 4 stars). 3 submissions from 3 submitters: Uncertain significance (3). Last evaluated 2024-10-14.

Conditions:
Fanconi anemia (FA). Also called: Fanconi's anemia. Identifiers: Orphanet 84, MedGen C0015625, MeSH D005199, MONDO:0019391.
Fanconi anemia complementation group D2. Also called: FANCONI PANCYTOPENIA, TYPE 4; FANCONI ANEMIA, COMPLEMENTATION GROUP D; FANCD2-Related Fanconi Anemia. Identifiers: Orphanet 84, MedGen C3160738, MONDO:0009214, OMIM 227646.

Allele frequency attached by ClinVar (database versions not stated): TOPMed 0.00001; ExAC 0.00002; gnomAD exomes 0.00002.
gnomAD v4.1: 13 of 1,613,850 alleles (0.00081%); highest among the groups gnomAD compares: Middle Eastern, 0.017%; no homozygotes.

Submissions (3):

Labcorp Genetics (formerly Invitae), Labcorp
Classification: Uncertain significance for Fanconi anemia. Last evaluated: 2024-10-14. Review status: criteria provided, single submitter. Criteria: Invitae Variant Classification Sherloc (09022015). Collection method: clinical testing. Allele origin: germline.
Comment: This sequence change replaces alanine, which is neutral and non-polar, with valine, which is neutral and non-polar, at codon 582 of the FANCD2 protein (p.Ala582Val). This variant is present in population databases (rs768105189, gnomAD 0.01%). This variant has not been reported in the literature in individuals affected with FANCD2-related conditions. ClinVar contains an entry for this variant (Variation ID: 950578). Invitae Evidence Modeling of protein sequence and biophysical properties (such as structural, functional, and spatial information, amino acid conservation, physicochemical variation, residue mobility, and thermodynamic stability) indicates that this missense variant is not expected to disrupt FANCD2 protein function with a negative predictive value of 80%. In summary, the available evidence is currently insufficient to determine the role of this variant in disease. Therefore, it has been classified as a Variant of Uncertain Significance.

Fulgent Genetics
Classification: Uncertain significance for Fanconi anemia complementation group D2. Last evaluated: 2024-05-11. Review status: criteria provided, single submitter. Criteria: ACMG Guidelines, 2015. Collection method: clinical testing. Allele origin: germline.

Illumina Laboratory Services, Illumina
Classification: Uncertain significance for Fanconi anemia complementation group D2. Last evaluated: 2019-06-27. Review status: criteria provided, single submitter. Criteria: ICSLVariantClassificationCriteria RUGD 01 April 2020. Collection method: clinical testing. Allele origin: unknown.
Comment: The FANCD2 c.1745C>T (p.Ala582Val) variant is a missense variant. A literature search was performed for the gene, cDNA change and amino acid change. No publications were found based on this search. The variant is reported at a frequency of 0.000131 in the South Asian population of the Genome Aggregation Database. Based on the limited evidence, the p.Ala582Val variant is classified as a variant of uncertain significance for Fanconi anemia.

NM_001018115.3(FANCD2):c.1745C>T (p.Ala582Val)

Genes: FANCD2 (FA complementation group D2; plus strand), LOC107303338 (3p25 FANCD2 Alu-mediated recombination region; plus strand). Cytogenetic location: 3p25.3.
Variant type: single nucleotide variant.
Coding change: c.1745C>T on transcript NM_001018115.3 (MANE Select); coding-DNA position 1745, C replaced by T.
Protein change: p.Ala582Val; replaces alanine 582 with valine.
Molecular consequence: missense variant.
Genome position (GRCh38, 1-based): chr3:10,060,382, C>T. VCF-style: chr3-10060382-C-T. GRCh37 (hg19) VCF-style: chr3-10102066-C-T.
Other names: c.1745C>T, p.Ala582Val (NM_001319984.2, NM_001374254.1, NM_033084.6); c.1634C>T, p.Ala545Val (NM_001374253.1); c.1745C>T (NM_033084.4); short protein forms A545V, A582V.
Identifiers: ClinVar variation 950578 (VCV000950578.10), dbSNP rs768105189, ClinGen allele CA2249771.